The following is an entry in ClinVar:

ClinVar aggregate classification (germline): Pathogenic (1 of 4 stars; one submission).

Conditions:
Familial hemophagocytic lymphohistiocytosis 3 (FHL3). Also called: UNC13D-Related Familial Hemophagocytic Lymphohistiocytosis (UNC13D-fHLH). Identifiers: Orphanet 540, MedGen C1837174, MONDO:0012146, OMIM 608898.

Submission:

Labcorp Genetics (formerly Invitae), Labcorp
Classification: Pathogenic for Familial hemophagocytic lymphohistiocytosis 3. Last evaluated: 2023-06-14. Review status: criteria provided, single submitter. Criteria: Invitae Variant Classification Sherloc (09022015). Collection method: clinical testing. Allele origin: germline.
Comment: This sequence change creates a premature translational stop signal (p.Gln349*) in the UNC13D gene. It is expected to result in an absent or disrupted protein product. Loss-of-function variants in UNC13D are known to be pathogenic (PMID: 14622600). For these reasons, this variant has been classified as Pathogenic. This variant has not been reported in the literature in individuals affected with UNC13D-related conditions. This variant is not present in population databases (gnomAD no frequency).

Literature cited by the submitters: PubMed 14622600.

NM_199242.3(UNC13D):c.1045C>T (p.Gln349Ter)

Gene: UNC13D (unc-13 homolog D; minus strand). Cytogenetic location: 17q25.1.
Variant type: single nucleotide variant.
Coding change: c.1045C>T on transcript NM_199242.3 (MANE Select); coding-DNA position 1045, C replaced by T.
Protein change: p.Gln349Ter; replaces glutamine 349 with a stop codon.
Molecular consequence: nonsense.
Genome position (GRCh38, 1-based): chr17:75,839,849, G>A on the plus strand (C>T on the coding strand, the complement: UNC13D is on the minus strand). VCF-style: chr17-75839849-G-A. GRCh37 (hg19) VCF-style: chr17-73835930-G-A.
Other names: short protein forms Q349*.
Identifiers: ClinVar variation 2715203 (VCV002715203.3), dbSNP rs2545984867, ClinGen allele CA401105896.
Genomic context (GRCh38, chr17:75,839,849, plus strand): 5'-GGCGTGGGGGGCTGGTGGCTCAGGGGTTCTGCCCAGGGCTGTGTACTCACGCCATGGACT[G>A]GTGGAAGTCGGATAGGTCCTTCTGTGTGGCGTGCAGAAAGAGGACGGTGGCAGCCTGGGG-3'